The following is an entry in ClinVar:

NM_145200.5(CABP4):c.397+2T>A

Gene: CABP4 (calcium binding protein 4; plus strand). Cytogenetic location: 11q13.2.
Variant type: single nucleotide variant.
Coding change: c.397+2T>A on transcript NM_145200.5 (MANE Select); the canonical splice donor site of the intron after coding-DNA position 397, T replaced by A.
Molecular consequence: splice donor variant.
Genome position (GRCh38, 1-based): chr11:67,456,220, T>A. VCF-style: chr11-67456220-T-A. GRCh37 (hg19) VCF-style: chr11-67223691-T-A.
Other names: c.82+2T>A (NM_001379183.1, NM_001300896.3, NM_001300895.3).
Identifiers: ClinVar variation 1454901 (VCV001454901.8), dbSNP rs2135177102, ClinGen allele CA381529623.

ClinVar aggregate classification (germline): Pathogenic (1 of 4 stars; one submission).

Submission:

Labcorp Genetics (formerly Invitae), Labcorp
Classification: Pathogenic. Last evaluated: 2021-07-28. Review status: criteria provided, single submitter. Criteria: Invitae Variant Classification Sherloc (09022015). Collection method: clinical testing. Allele origin: germline.
Comment: For these reasons, this variant has been classified as Pathogenic. This sequence change affects a donor splice site in intron 2 of the CABP4 gene. It is expected to disrupt RNA splicing. Variants that disrupt the donor or acceptor splice site typically lead to a loss of protein function (PMID: 16199547), and loss-of-function variants in CABP4 are known to be pathogenic (PMID: 25307992). This variant is not present in population databases (ExAC no frequency). This variant has been observed in individual(s) with inherited retinal dystrophy (Invitae). In at least one individual the data is consistent with the variant being in trans (on the opposite chromosome) from a pathogenic variant. Algorithms developed to predict the effect of sequence changes on RNA splicing suggest that this variant may disrupt the consensus splice site, but this prediction has not been confirmed by published transcriptional studies.

Literature cited by the submitters: PubMed 16199547; PubMed 25307992.